The following is an entry in ClinVar:

ClinVar aggregate classification (germline): Likely benign (1 of 4 stars; one submission).

gnomAD v4.1: 2 of 1,613,246 alleles (0.00012%); highest among the groups gnomAD compares: African/African-American, 0.0027%; no homozygotes.

Submission:

CeGaT Center for Human Genetics Tuebingen
Classification: Likely benign. Last evaluated: 2026-06-01. Review status: criteria provided, single submitter. Criteria: CeGaT Center For Human Genetics Tuebingen Variant Classification Criteria Version 2. Collection method: clinical testing. Allele origin: germline. Affected: yes. Observed: 1 variant allele.
Comment: RSPRY1: BP4, BP7

NM_133368.3(RSPRY1):c.1161T>C (p.His387=)

Gene: RSPRY1 (ring finger and SPRY domain containing 1; plus strand). Cytogenetic location: 16q13.
Variant type: single nucleotide variant.
Coding change: c.1161T>C on transcript NM_133368.3 (MANE Select); coding-DNA position 1161, T replaced by C.
Protein change: p.His387=; no amino-acid change (histidine 387 retained).
Molecular consequence: synonymous variant.
Genome position (GRCh38, 1-based): chr16:57,221,415, T>C. VCF-style: chr16-57221415-T-C. GRCh37 (hg19) VCF-style: chr16-57255327-T-C.
Other names: c.1161T>C, p.His387= (NM_001305163.2, NM_001305164.2).
Identifiers: ClinVar variation 4874181 (VCV004874181.2).
Genomic context (GRCh38, chr16:57,221,415, plus strand): 5'-GGTCACTTCTGGCGTCATGCAGATTGGCTGGGCCACTCGAGACAGCAAATTCCTCAATCA[T>C]GTGAGTACCCTAGAGAACTGTGAAAATGGGAGCAGTGGCAGTTTGCTTTTTCCCCCTAGT-3'
Protein context (NP_588609.1, residues 377-397): WATRDSKFLN[His387=]EGYGIGDDEY